The following is an entry in ClinVar:

NM_025137.4(SPG11):c.4185C>G (p.Phe1395Leu)

Genes: SPG11 (SPG11 vesicle trafficking associated, spatacsin; minus strand), LOC130056973 (ATAC-STARR-seq lymphoblastoid active region 9341; plus strand). Cytogenetic location: 15q21.1.
Variant type: single nucleotide variant.
Coding change: c.4185C>G on transcript NM_025137.4 (MANE Select); coding-DNA position 4185, C replaced by G.
Protein change: p.Phe1395Leu; replaces phenylalanine 1395 with leucine.
Molecular consequence: missense variant.
Genome position (GRCh38, 1-based): chr15:44,596,332, G>C on the plus strand (C>G on the coding strand, the complement: SPG11 is on the minus strand). VCF-style: chr15-44596332-G-C. GRCh37 (hg19) VCF-style: chr15-44888530-G-C.
Other names: c.4185C>G, p.Phe1395Leu (NM_001160227.2); short protein forms F1395L.
Identifiers: ClinVar variation 1473252 (VCV001473252.3), dbSNP rs138850981, ClinGen allele CA7534733.

ClinVar aggregate classification (germline): Uncertain significance (1 of 4 stars; one submission).

Conditions:
Hereditary spastic paraplegia 11. Also called: Autosomal recessive hereditary spastic paraplegia, mental impairment, and thin corpus callosum; SPASTIC PARAPLEGIA, AUTOSOMAL RECESSIVE, COMPLICATED, WITH THIN CORPUS CALLOSUM; SPASTIC PARAPLEGIA, AUTOSOMAL RECESSIVE, WITH MENTAL IMPAIRMENT AND THIN CORPUS CALLOSUM; Spastic paraplegia, mental retardation and thin corpus callosum; Spastic Paraplegia 11; Nakamura Osame syndrome. Identifiers: Orphanet 2822, MedGen C1858479, MONDO:0011445, OMIM 604360.

Allele frequency attached by ClinVar (database versions not stated): gnomAD exomes below 0.00001; ExAC 0.00001; gnomAD 0.00001; TOPMed 0.00002; ESP Exome Variant Server 0.00008.
gnomAD v4.1: 2 of 1,614,062 alleles (0.00012%); highest among the groups gnomAD compares: African/African-American, 0.0027%; no homozygotes.

Submission:

Labcorp Genetics (formerly Invitae), Labcorp
Classification: Uncertain significance for Hereditary spastic paraplegia 11. Last evaluated: 2021-12-25. Review status: criteria provided, single submitter. Criteria: Invitae Variant Classification Sherloc (09022015). Collection method: clinical testing. Allele origin: germline.
Comment: This sequence change replaces phenylalanine, which is neutral and non-polar, with leucine, which is neutral and non-polar, at codon 1395 of the SPG11 protein (p.Phe1395Leu). This variant is present in population databases (rs138850981, gnomAD 0.007%). This variant has not been reported in the literature in individuals affected with SPG11-related conditions. Algorithms developed to predict the effect of missense changes on protein structure and function are either unavailable or do not agree on the potential impact of this missense change (SIFT: "Deleterious"; PolyPhen-2: "Probably Damaging"; Align-GVGD: "Class C0"). In summary, the available evidence is currently insufficient to determine the role of this variant in disease. Therefore, it has been classified as a Variant of Uncertain Significance.